The following is an entry in ClinVar:

NM_000061.3(BTK):c.167T>C (p.Ile56Thr)

Gene: BTK (Bruton tyrosine kinase; minus strand). Cytogenetic location: Xq22.1.
Variant type: single nucleotide variant.
Coding change: c.167T>C on transcript NM_000061.3 (MANE Select); coding-DNA position 167, T replaced by C.
Protein change: p.Ile56Thr; replaces isoleucine 56 with threonine.
Molecular consequence: missense variant.
Genome position (GRCh38, 1-based): chrX:101,374,609, A>G on the plus strand (T>C on the coding strand, the complement: BTK is on the minus strand). VCF-style: chrX-101374609-A-G. GRCh37 (hg19) VCF-style: chrX-100629597-A-G.
Other names: c.269T>C, p.Ile90Thr (NM_001287344.2); c.167T>C, p.Ile56Thr (NM_001287345.2); short protein forms I56T, I90T.
Identifiers: ClinVar variation 961808 (VCV000961808.10), dbSNP rs1927146374, ClinGen allele CA413939045.
Genomic context (GRCh38, chrX:101,374,609, plus strand): 5'-TCTGGAGGAGGATTTTTTTCAGGAACCACTGTTTCAACACAAGTGATCTTCTCAACATCT[A>G]TTGAACCCTTCTTACTGCCTCTTCTCTGAGAAGTAGAATGAGGAAGAAAATGGAGAAAGA-3'
Protein context (NP_000052.1, residues 46-66): RGRRGSKKGS[Ile56Thr]DVEKITCVET

ClinVar aggregate classification (germline): Likely pathogenic (1 of 4 stars; one submission).

Conditions:
X-linked agammaglobulinemia with growth hormone deficiency (IGHD3). Also called: FLEISHER SYNDROME; Isolated growth hormone deficiency type 3; Growth hormone deficiency with hypogammaglobulinemia; HYPOGAMMAGLOBULINEMIA AND ISOLATED GROWTH HORMONE DEFICIENCY, X-LINKED; IGHD III; ISOLATED GROWTH HORMONE DEFICIENCY, TYPE III, WITH AGAMMAGLOBULINEMIA. Identifiers: Orphanet 231692, Orphanet 631, MedGen C0472813, MONDO:0010615, OMIM 307200.

Submission:

Labcorp Genetics (formerly Invitae), Labcorp
Classification: Likely pathogenic for X-linked agammaglobulinemia with growth hormone deficiency. Last evaluated: 2025-01-28. Review status: criteria provided, single submitter. Criteria: Invitae Variant Classification Sherloc (09022015). Collection method: clinical testing. Allele origin: germline.
Comment: This sequence change replaces isoleucine, which is neutral and non-polar, with threonine, which is neutral and polar, at codon 56 of the BTK protein (p.Ile56Thr). This variant is not present in population databases (gnomAD no frequency). This missense change has been observed in individual(s) with X-linked agammaglobulinemia (PMID: 16159644). ClinVar contains an entry for this variant (Variation ID: 961808). Invitae Evidence Modeling of protein sequence and biophysical properties (such as structural, functional, and spatial information, amino acid conservation, physicochemical variation, residue mobility, and thermodynamic stability) indicates that this missense variant is expected to disrupt BTK protein function with a positive predictive value of 95%. This variant disrupts the p.Ile56 amino acid residue in BTK. Other variant(s) that disrupt this residue have been observed in individuals with BTK-related conditions (PMID: 33225392), which suggests that this may be a clinically significant amino acid residue. In summary, the currently available evidence indicates that the variant is pathogenic, but additional data are needed to prove that conclusively. Therefore, this variant has been classified as Likely Pathogenic.

Literature cited by the submitters: PubMed 16159644; PubMed 33225392.